The following is an entry in ClinVar:

NM_004360.5(CDH1):c.1937-15T>A

Gene: CDH1 (cadherin 1; plus strand). Cytogenetic location: 16q22.1.
Variant type: single nucleotide variant.
Coding change: c.1937-15T>A on transcript NM_004360.5 (MANE Select); 15 bases into the intron before coding-DNA position 1937, T replaced by A.
Molecular consequence: intron variant.
Genome position (GRCh38, 1-based): chr16:68,823,384, T>A. VCF-style: chr16-68823384-T-A. GRCh37 (hg19) VCF-style: chr16-68857287-T-A.
Other names: c.389-15T>A (NM_001317185.2); c.-29-15T>A (NM_001317186.2); c.1754-15T>A (NM_001317184.2).
Identifiers: ClinVar variation 1171621 (VCV001171621.2), dbSNP rs1596965450, ClinGen allele CA496392958.

ClinVar aggregate classification (germline): Uncertain significance (1 of 4 stars; one submission).

Conditions:
Hereditary cancer-predisposing syndrome. Also called: Tumor predisposition; Hereditary neoplastic syndrome; Hereditary Cancer Syndrome; Neoplastic Syndromes, Hereditary. Identifiers: Orphanet 140162, MedGen C0027672, MeSH D009386, MONDO:0015356.

Submission:

Color Diagnostics, LLC DBA Color Health
Classification: Uncertain significance for Hereditary cancer-predisposing syndrome. Last evaluated: 2020-12-08. Review status: criteria provided, single submitter. Criteria: ACMG Guidelines, 2015. Collection method: clinical testing. Allele origin: germline.
Comment: This variant causes a T to A nucleotide substitution at the -15 position of intron 12 of the CDH1 gene. To our knowledge, functional studies have not been reported for this variant. This variant has not been reported in individuals affected with hereditary cancer in the literature. This variant has not been identified in the general population by the Genome Aggregation Database (gnomAD). The available evidence is insufficient to determine the role of this variant in disease conclusively. Therefore, this variant is classified as a Variant of Uncertain Significance.